The following is an entry in ClinVar:

ClinVar aggregate classification (germline): Uncertain significance (1 of 4 stars; one submission).

Submission:

Labcorp Genetics (formerly Invitae), Labcorp
Classification: Uncertain significance. Last evaluated: 2025-05-11. Review status: criteria provided, single submitter. Criteria: Invitae Variant Classification Sherloc (09022015). Collection method: clinical testing. Allele origin: germline.
Comment: This sequence change creates a premature translational stop signal (p.Ser78Glufs*190) in the APOA5 gene. While this is not anticipated to result in nonsense mediated decay, it is expected to disrupt the last 289 amino acid(s) of the APOA5 protein. This variant is not present in population databases (gnomAD no frequency). This premature translational stop signal has been observed in individual(s) with APOA5-related conditions (internal data). Experimental studies and prediction algorithms are not available or were not evaluated, and the functional significance of this variant is currently unknown. In summary, the available evidence is currently insufficient to determine the role of this variant in disease. Therefore, it has been classified as a Variant of Uncertain Significance.

NM_001371904.1(APOA5):c.230dup (p.Ser78fs)

Gene: APOA5 (apolipoprotein A5; minus strand). Cytogenetic location: 11q23.3.
Variant type: Duplication.
Coding change: c.230dup on transcript NM_001371904.1 (MANE Select); coding-DNA position 230, one base duplicated (T; older notation c.230dupT).
Protein change: p.Ser78fs; shifts the reading frame from serine 78.
Molecular consequence: frameshift variant.
Genome position (GRCh38, 1-based): chr11:116,790,999, A duplicated on the plus strand (T on the coding strand, the reverse complement: APOA5 is on the minus strand). VCF-style (leftmost placement, unchanged base first): chr11-116790998-C-CA. GRCh37 (hg19) VCF-style: chr11-116661714-C-CA.
Other names: c.230dup, p.Ser78fs (NM_001166598.2, NM_052968.5); short protein forms S78fs.
Identifiers: ClinVar variation 4719312 (VCV004719312.1).